The following is an entry in ClinVar:

NM_000322.5(PRPH2):c.609_625del (p.Tyr204fs)

Gene: PRPH2 (peripherin 2; minus strand). Cytogenetic location: 6p21.1.
Variant type: Deletion.
Coding change: c.609_625del on transcript NM_000322.5 (MANE Select); coding-DNA positions 609 to 625, 17 bases deleted (GTACCTGGTGGACGGCG).
Protein change: p.Tyr204fs; shifts the reading frame from tyrosine 204.
Molecular consequence: frameshift variant.
Genome position (GRCh38, 1-based): chr6:42,704,568-42,704,584, CGCCGTCCACCAGGTAC deleted on the plus strand (GTACCTGGTGGACGGCG on the coding strand, the reverse complement: PRPH2 is on the minus strand); deleting any 17 consecutive bases within chr6:42,704,568-42,704,588 gives the same sequence; the c. name uses the placement nearest the transcript's 3' end. VCF-style (leftmost placement, unchanged base first): chr6-42704567-ACGCCGTCCACCAGGTAC-A. GRCh37 (hg19) VCF-style: chr6-42672305-ACGCCGTCCACCAGGTAC-A.
Other names: short protein forms Y204fs.
Identifiers: ClinVar variation 98683 (VCV000098683.12), dbSNP rs281865372, ClinGen allele CA226263.

ClinVar aggregate classification (germline): Pathogenic. Review status: criteria provided, multiple submitters, no conflicts (2 of 4 stars). 4 submissions from 4 submitters: Pathogenic (2). 2 of the submissions do not count toward it. Last evaluated 2024-01-19.

Conditions:
PRPH2-related disorder. Also called: PRPH2-related condition; PRPH2-related disorders. Identifiers: MedGen CN239395.
Pigmentary retinal dystrophy. Also called: Fundus albipunctatus. Identifiers: Orphanet 227796, Orphanet 52427, MedGen C0311338, MONDO:0007639, OMIM 136880, HP:0030642.

Submissions (4):

Labcorp Genetics (formerly Invitae), Labcorp
Classification: Pathogenic for PRPH2-related disorder. Last evaluated: 2024-01-19. Review status: criteria provided, single submitter. Criteria: Invitae Variant Classification Sherloc (09022015). Collection method: clinical testing. Allele origin: germline.
Comment: This sequence change creates a premature translational stop signal (p.Tyr204Profs*8) in the PRPH2 gene. It is expected to result in an absent or disrupted protein product. Loss-of-function variants in PRPH2 are known to be pathogenic (PMID: 8111389, 8485575, 8485576, 8675410, 16916875, 17504850, 22863181, 25675413, 26061163, 27365499, 29555955, 33546218). This variant is not present in population databases (gnomAD no frequency). This premature translational stop signal has been observed in individual(s) with macular dystrophy (PMID: 10627133). This variant is also known as 857del17. ClinVar contains an entry for this variant (Variation ID: 98683). For these reasons, this variant has been classified as Pathogenic.

Centre for Mendelian Genomics, University Medical Centre Ljubljana
Classification: Pathogenic for Pigmentary retinal dystrophy. Last evaluated: 2018-11-13. Review status: criteria provided, single submitter. Criteria: ACMG Guidelines, 2015. Collection method: clinical testing. Allele origin: unknown. Affected: yes.
Comment: This variant was classified as: Pathogenic. The following ACMG criteria were applied in classifying this variant: PVS1,PM2,PP4.

Leiden Open Variation Database
Classification: Pathogenic. Last evaluated: 2021-07-02. Review status: no assertion criteria provided. Collection method: curation. Allele origin: germline. Affected: yes. Not counted in ClinVar's aggregate classification.
Comment: Curator: Global Variome, with Curator vacancy. Submitters to LOVD: Julia Lopez, Manon Peeters.

Retina International
No classification provided. Review status: no classification provided. Collection method: not provided. Allele origin: not provided. Not counted in ClinVar's aggregate classification.

Literature cited by the submitters: PubMed 8111389 (cited by Labcorp Genetics (formerly Invitae), Labcorp); PubMed 8485575 (cited by Labcorp Genetics (formerly Invitae), Labcorp); PubMed 8485576 (cited by Labcorp Genetics (formerly Invitae), Labcorp); PubMed 8675410 (cited by Labcorp Genetics (formerly Invitae), Labcorp); PubMed 16916875 (cited by Labcorp Genetics (formerly Invitae), Labcorp); PubMed 17504850 (cited by Labcorp Genetics (formerly Invitae), Labcorp); PubMed 22863181 (cited by Labcorp Genetics (formerly Invitae), Labcorp); PubMed 25675413 (cited by Labcorp Genetics (formerly Invitae), Labcorp); PubMed 26061163 (cited by Labcorp Genetics (formerly Invitae), Labcorp); PubMed 27365499 (cited by Labcorp Genetics (formerly Invitae), Labcorp); PubMed 29555955 (cited by Labcorp Genetics (formerly Invitae), Labcorp); PubMed 33546218 (cited by Labcorp Genetics (formerly Invitae), Labcorp); PubMed 10627133 (cited by Labcorp Genetics (formerly Invitae), Labcorp and Leiden Open Variation Database); PubMed 15579992 (cited by Leiden Open Variation Database); PubMed 17653047 (cited by Leiden Open Variation Database).